The following is an entry in ClinVar:

NM_006904.7(PRKDC):c.6439G>A (p.Ala2147Thr)

Gene: PRKDC (protein kinase, DNA-activated, catalytic subunit; minus strand). Cytogenetic location: 8q11.21.
Variant type: single nucleotide variant.
Coding change: c.6439G>A on transcript NM_006904.7 (MANE Select); coding-DNA position 6439, G replaced by A.
Protein change: p.Ala2147Thr; replaces alanine 2147 with threonine.
Molecular consequence: missense variant.
Genome position (GRCh38, 1-based): chr8:47,858,542, C>T on the plus strand (G>A on the coding strand, the complement: PRKDC is on the minus strand). VCF-style: chr8-47858542-C-T. GRCh37 (hg19) VCF-style: chr8-48771103-C-T.
Other names: c.6439G>A, p.Ala2147Thr (NM_001081640.2); short protein forms A2147T.
Identifiers: ClinVar variation 2739111 (VCV002739111.3), dbSNP rs1393237907, ClinGen allele CA371160494.
Genomic context (GRCh38, chr8:47,858,542, plus strand): 5'-TATTCAAAGAATAAAGAAATAATCAATTACTTACCTCTTCTGTATTAATAACAAGCTTGG[C>T]TAAGAAGAGACGGATATTTAATGGTACTATTGGATTTCCCAGTTTGCCATGGAGGAATTT-3'
Protein context (NP_008835.5, residues 2137-2157): IVPLNIRLFL[Ala2147Thr]KLVINTEEVF

ClinVar aggregate classification (germline): Uncertain significance (1 of 4 stars; one submission).

Conditions:
Severe combined immunodeficiency due to DNA-PKcs deficiency. Also called: IMMUNODEFICIENCY 26 WITH NEUROLOGIC ABNORMALITIES; Immunodeficiency 26 with or without neurologic abnormalities. Identifiers: Orphanet 317425, MedGen C4014833, MONDO:0014423, OMIM 615966.

Allele frequency attached by ClinVar (database versions not stated): gnomAD exomes 0.00001; TOPMed 0.00001.
gnomAD v4.1: 8 of 1,532,020 alleles (0.00052%); highest among the groups gnomAD compares: Non-Finnish European, 0.00062%; no homozygotes.

Submission:

Labcorp Genetics (formerly Invitae), Labcorp
Classification: Uncertain significance for Severe combined immunodeficiency due to DNA-PKcs deficiency. Last evaluated: 2024-01-30. Review status: criteria provided, single submitter. Criteria: Invitae Variant Classification Sherloc (09022015). Collection method: clinical testing. Allele origin: germline.
Comment: This sequence change replaces alanine, which is neutral and non-polar, with threonine, which is neutral and polar, at codon 2147 of the PRKDC protein (p.Ala2147Thr). The frequency data for this variant in the population databases is considered unreliable, as metrics indicate poor data quality at this position in the gnomAD database. This variant has not been reported in the literature in individuals affected with PRKDC-related conditions. Advanced modeling of protein sequence and biophysical properties (such as structural, functional, and spatial information, amino acid conservation, physicochemical variation, residue mobility, and thermodynamic stability) performed at Invitae indicates that this missense variant is not expected to disrupt PRKDC protein function with a negative predictive value of 80%. In summary, the available evidence is currently insufficient to determine the role of this variant in disease. Therefore, it has been classified as a Variant of Uncertain Significance.